The following is an entry in ClinVar:

NM_001330078.2(NRXN1):c.1760-15_1760-13del

Gene: NRXN1 (neurexin 1; minus strand). Cytogenetic location: 2p16.3.
Variant type: Microsatellite.
Coding change: c.1760-15_1760-13del on transcript NM_001330078.2 (MANE Select); 15 bases into the intron before coding-DNA position 1760 through 13 bases into the intron before coding-DNA position 1760, 3 bases deleted (CTC; older notation c.1760-15_1760-13delCTC).
Molecular consequence: intron variant.
Genome position (GRCh38, 1-based): chr2:50,538,649-50,538,651, GAG deleted on the plus strand (CTC on the coding strand, the reverse complement: NRXN1 is on the minus strand); deleting any 3 consecutive bases within chr2:50,538,649-50,538,654 gives the same sequence; the c. name uses the placement nearest the transcript's 3' end. VCF-style (leftmost placement, unchanged base first): chr2-50538648-AGAG-A. GRCh37 (hg19) VCF-style: chr2-50765786-AGAG-A.
Other names: c.1880-15_1880-13delCTC (NM_001135659.1); c.1676-15_1676-13del (NM_001330096.2, NM_001330087.2); c.1721-15_1721-13del (NM_001330083.2, NM_001330084.2); c.1706-15_1706-13del (NM_001330088.2); c.1757-15_1757-13del (NM_001330093.2); c.1748-15_1748-13del (NM_001330094.2); c.1736-15_1736-13del (NM_001330095.2, NM_001330082.2, NM_001330077.2); c.1760-15_1760-13del (NM_001330085.2, NM_004801.6, NM_001330086.2); and 1 more.
Identifiers: ClinVar variation 508390 (VCV000508390.1), dbSNP rs1255783166, ClinGen allele CA532706315.

ClinVar aggregate classification (germline): Likely benign (1 of 4 stars; one submission).

Submission:

GeneDx
Classification: Likely benign. Last evaluated: 2017-03-30. Review status: criteria provided, single submitter. Criteria: GeneDx Variant Classification (06012015). Collection method: clinical testing. Allele origin: germline. Affected: yes.
Comment: This variant is considered likely benign or benign based on one or more of the following criteria: it is a conservative change, it occurs at a poorly conserved position in the protein, it is predicted to be benign by multiple in silico algorithms, and/or has population frequency not consistent with disease.